The following is an entry in ClinVar:

NM_198525.3(KIF7):c.734T>C (p.Val245Ala)

Gene: KIF7 (kinesin family member 7; minus strand). Cytogenetic location: 15q26.1.
Variant type: single nucleotide variant.
Coding change: c.734T>C on transcript NM_198525.3 (MANE Select); coding-DNA position 734, T replaced by C.
Protein change: p.Val245Ala; replaces valine 245 with alanine.
Molecular consequence: missense variant.
Genome position (GRCh38, 1-based): chr15:89,649,163, A>G on the plus strand (T>C on the coding strand, the complement: KIF7 is on the minus strand). VCF-style: chr15-89649163-A-G. GRCh37 (hg19) VCF-style: chr15-90192394-A-G.
Other names: short protein forms V245A.
Identifiers: ClinVar variation 1957472 (VCV001957472.5), dbSNP rs2505499070, ClinGen allele CA393775122.
Genomic context (GRCh38, chr15:89,649,163, plus strand): 5'-GTGCTGCCCGTCTTGAGCACCCTCTCTGAGCCCGCCAGGTCCACGAAGTGGAACTTGGAG[A>G]CGAGCAGCTGGCCCGGGGCGGGGCGGGGTAGGCGGCTGGGGGCGCGCCCCCGCTGCTCCA-3'
Protein context (NP_940927.2, residues 235-255): LPRPAPGQLL[Val245Ala]SKFHFVDLAG

ClinVar aggregate classification (germline): Uncertain significance (1 of 4 stars; one submission).

Conditions:
Acrocallosal syndrome (ACLS). Also called: HALLUX DUPLICATION, POSTAXIAL POLYDACTYLY, AND ABSENCE OF CORPUS CALLOSUM; Schinzel syndrome 1; Absence of corpus callosum with unusual facial appearance, mental deficiency, duplication of the halluces and polydactyly. Identifiers: Orphanet 36, MedGen C0796147, MONDO:0008708, OMIM 200990.

Allele frequency attached by ClinVar (database versions not stated): gnomAD exomes below 0.00001.
gnomAD v4.1: 1 of 1,548,116 alleles (0.000065%); highest among the groups gnomAD compares: South Asian, 0.0012%; no homozygotes.

Submission:

Labcorp Genetics (formerly Invitae), Labcorp
Classification: Uncertain significance for Acrocallosal syndrome. Last evaluated: 2023-07-17. Review status: criteria provided, single submitter. Criteria: Invitae Variant Classification Sherloc (09022015). Collection method: clinical testing. Allele origin: germline.
Comment: This sequence change replaces valine, which is neutral and non-polar, with alanine, which is neutral and non-polar, at codon 245 of the KIF7 protein (p.Val245Ala). This variant is not present in population databases (gnomAD no frequency). This variant has not been reported in the literature in individuals affected with KIF7-related conditions. ClinVar contains an entry for this variant (Variation ID: 1957472). Advanced modeling of protein sequence and biophysical properties (such as structural, functional, and spatial information, amino acid conservation, physicochemical variation, residue mobility, and thermodynamic stability) performed at Invitae indicates that this missense variant is not expected to disrupt KIF7 protein function. In summary, the available evidence is currently insufficient to determine the role of this variant in disease. Therefore, it has been classified as a Variant of Uncertain Significance.